The following is an entry in ClinVar:

NM_020800.3(IFT80):c.1324C>T (p.Leu442Phe)

Genes: TRIM59-IFT80 (TRIM59-IFT80 readthrough (NMD candidate); minus strand), IFT80 (intraflagellar transport 80; minus strand). Cytogenetic location: 3q25.33.
Variant type: single nucleotide variant.
Coding change: c.1324C>T on transcript NM_020800.3 (MANE Select); coding-DNA position 1324, C replaced by T.
Protein change: p.Leu442Phe; replaces leucine 442 with phenylalanine.
Molecular consequence: missense variant. On other transcripts: non-coding transcript variant (3).
Genome position (GRCh38, 1-based): chr3:160,285,860, G>A on the plus strand (C>T on the coding strand, the complement: IFT80 is on the minus strand). VCF-style: chr3-160285860-G-A. GRCh37 (hg19) VCF-style: chr3-160003648-G-A.
Other names: c.913C>T, p.Leu305Phe (NM_001190241.2, NM_001190242.2); short protein forms L442F, L305F.
Identifiers: ClinVar variation 1464956 (VCV001464956.8), dbSNP rs2108240755, ClinGen allele CA355192639.
Genomic context (GRCh38, chr3:160,285,860, plus strand): 5'-TTACCTTATGAGAAAGAAACTTTCCATCACCTAACGGCTTTCCGGTTGATGCCTCAAAGA[G>A]GAAGATTACTTGAAAAAAAGTAGAACATTAATTAATGTGTTATATTAGAATTTTTACTGG-3'
Protein context (NP_065851.1, residues 432-452): RDKADEKIIF[Leu442Phe]FEASTGKPLG

ClinVar aggregate classification (germline): Uncertain significance (1 of 4 stars; one submission).

Conditions:
Jeune thoracic dystrophy. Also called: Jeune syndrome; Infantile thoracic dystrophy; Thoracic pelvic phalangeal dystrophy; Jeune's syndrome; Chondroectodermal dysplasia-like syndrome; Short-rib thoracic dysplasia. Identifiers: Orphanet 474, MedGen C0265275, MONDO:0018770.

Allele frequency attached by ClinVar (database versions not stated): gnomAD exomes 0.00001.
gnomAD v4.1: 7 of 1,609,742 alleles (0.00043%); highest among the groups gnomAD compares: Non-Finnish European, 0.00059%; no homozygotes.

Submission:

Labcorp Genetics (formerly Invitae), Labcorp
Classification: Uncertain significance for Jeune thoracic dystrophy. Last evaluated: 2022-07-25. Review status: criteria provided, single submitter. Criteria: Invitae Variant Classification Sherloc (09022015). Collection method: clinical testing. Allele origin: germline.
Comment: In summary, the available evidence is currently insufficient to determine the role of this variant in disease. Therefore, it has been classified as a Variant of Uncertain Significance. Algorithms developed to predict the effect of missense changes on protein structure and function (SIFT, PolyPhen-2, Align-GVGD) all suggest that this variant is likely to be tolerated. ClinVar contains an entry for this variant (Variation ID: 1464956). This variant has not been reported in the literature in individuals affected with IFT80-related conditions. This variant is not present in population databases (gnomAD no frequency). This sequence change replaces leucine, which is neutral and non-polar, with phenylalanine, which is neutral and non-polar, at codon 442 of the IFT80 protein (p.Leu442Phe).